The following is an entry in ClinVar:

ClinVar aggregate classification (germline): Uncertain significance. Review status: criteria provided, multiple submitters, no conflicts (2 of 4 stars). 2 submissions from 2 submitters: Uncertain significance (2). Last evaluated 2024-11-01.

Conditions:
Hyperkalemic periodic paralysis. Also called: Familial hyperkalemic periodic paralysis; Gamstorp disease. Identifiers: Orphanet 682, MedGen C0238357, MONDO:0008224, OMIM 170500, HP:0007215.

Submissions (2):

Revvity Omics, Revvity
Classification: Uncertain significance. Last evaluated: 2024-11-01. Review status: criteria provided, single submitter. Criteria: ACMG Guidelines, 2015. Collection method: clinical testing. Allele origin: germline.

Labcorp Genetics (formerly Invitae), Labcorp
Classification: Uncertain significance for Hyperkalemic periodic paralysis. Last evaluated: 2018-05-11. Review status: criteria provided, single submitter. Criteria: Invitae Variant Classification Sherloc (09022015). Collection method: clinical testing. Allele origin: germline.
Comment: In summary, the available evidence is currently insufficient to determine the role of this variant in disease. Therefore, it has been classified as a Variant of Uncertain Significance. This sequence change replaces aspartic acid with histidine at codon 1665 of the SCN4A protein (p.Asp1665His). The aspartic acid residue is highly conserved and there is a moderate physicochemical difference between aspartic acid and histidine. This variant is not present in population databases (ExAC no frequency). Algorithms developed to predict the effect of missense changes on protein structure and function (SIFT, PolyPhen-2, Align-GVGD) all suggest that this variant is likely to be disruptive, but these predictions have not been confirmed by published functional studies and their clinical significance is uncertain. This variant has not been reported in the literature in individuals with SCN4A-related disease.

NM_000334.4(SCN4A):c.4993G>C (p.Asp1665His)

Genes: SCN4A (sodium voltage-gated channel alpha subunit 4; minus strand), GH-LCR (growth hormone locus control region; plus strand). Cytogenetic location: 17q23.3.
Variant type: single nucleotide variant.
Coding change: c.4993G>C on transcript NM_000334.4 (MANE Select); coding-DNA position 4993, G replaced by C.
Protein change: p.Asp1665His; replaces aspartic acid 1665 with histidine.
Molecular consequence: missense variant.
Genome position (GRCh38, 1-based): chr17:63,941,289, C>G on the plus strand (G>C on the coding strand, the complement: SCN4A is on the minus strand). VCF-style: chr17-63941289-C-G. GRCh37 (hg19) VCF-style: chr17-62018649-C-G.
Other names: short protein forms D1665H.
Identifiers: ClinVar variation 580020 (VCV000580020.10), dbSNP rs1567816038, ClinGen allele CA400614383.